The following is an entry in ClinVar:

NM_014140.4(SMARCAL1):c.2248G>A (p.Val750Met)

Gene: SMARCAL1 (SNF2 related chromatin remodeling annealing helicase 1; plus strand). Cytogenetic location: 2q35.
Variant type: single nucleotide variant.
Coding change: c.2248G>A on transcript NM_014140.4 (MANE Select); coding-DNA position 2248, G replaced by A.
Protein change: p.Val750Met; replaces valine 750 with methionine.
Molecular consequence: missense variant.
Genome position (GRCh38, 1-based): chr2:216,475,272, G>A. VCF-style: chr2-216475272-G-A. GRCh37 (hg19) VCF-style: chr2-217339995-G-A.
Other names: c.2248G>A, p.Val750Met (NM_001127207.2); short protein forms V750M.
Identifiers: ClinVar variation 1433993 (VCV001433993.5), dbSNP rs763200185, ClinGen allele CA2098167.

ClinVar aggregate classification (germline): Uncertain significance (1 of 4 stars; one submission).

Conditions:
Schimke immuno-osseous dysplasia (SIOD). Also called: Schimke Immunoosseous Dysplasia. Identifiers: Orphanet 1830, MedGen C0877024, MONDO:0009458, OMIM 242900.

Allele frequency attached by ClinVar (database versions not stated): gnomAD exomes below 0.00001; TOPMed below 0.00001; ExAC 0.00001.
gnomAD v4.1: 4 of 1,614,120 alleles (0.00025%); highest among the groups gnomAD compares: Admixed American, 0.0017%; no homozygotes.

Submission:

Labcorp Genetics (formerly Invitae), Labcorp
Classification: Uncertain significance for Schimke immuno-osseous dysplasia. Last evaluated: 2021-09-24. Review status: criteria provided, single submitter. Criteria: Invitae Variant Classification Sherloc (09022015). Collection method: clinical testing. Allele origin: germline.
Comment: This sequence change replaces valine with methionine at codon 750 of the SMARCAL1 protein (p.Val750Met). The valine residue is moderately conserved and there is a small physicochemical difference between valine and methionine. This variant is present in population databases (rs763200185, ExAC 0.009%). This variant has not been reported in the literature in individuals with SMARCAL1-related conditions. Algorithms developed to predict the effect of missense changes on protein structure and function are either unavailable or do not agree on the potential impact of this missense change (SIFT: "Deleterious"; PolyPhen-2: "Probably Damaging"; Align-GVGD: "Class C0"). In summary, the available evidence is currently insufficient to determine the role of this variant in disease. Therefore, it has been classified as a Variant of Uncertain Significance.